The following is an entry in ClinVar:

NM_000133.4(F9):c.497del (p.Asn166fs)

Gene: F9 (coagulation factor IX; plus strand). Cytogenetic location: Xq27.1.
Variant type: Deletion.
Coding change: c.497del on transcript NM_000133.4 (MANE Select); coding-DNA position 497, one base deleted (A; older notation c.497delA).
Protein change: p.Asn166fs; shifts the reading frame from asparagine 166.
Molecular consequence: frameshift variant.
Genome position (GRCh38, 1-based): chrX:139,548,468, A deleted; the last of 4 consecutive A bases (chrX:139,548,465-139,548,468); deleting any one gives the same sequence. VCF-style (leftmost placement, unchanged base first): chrX-139548464-GA-G. GRCh37 (hg19) VCF-style: chrX-138630623-GA-G.
Other names: c.383del, p.Asn128fs (NM_001313913.2); short protein forms N128fs, N166fs.
Identifiers: ClinVar variation 3345076 (VCV003345076.1).

ClinVar aggregate classification (germline): Pathogenic (0 of 4 stars; one submission).

Conditions:
F9-related disorder. Also called: F9-related condition.

Submission:

PreventionGenetics, part of Exact Sciences
Classification: Pathogenic for F9-related condition. Last evaluated: 2024-05-21. Review status: no assertion criteria provided. Collection method: clinical testing. Allele origin: germline.
Comment: The F9 c.497delA variant is predicted to result in a frameshift and premature protein termination (p.Asn166Thrfs*37). To our knowledge, this variant has not been reported in the literature or in a large population database, indicating this variant is rare. Frameshift variants in F9 are expected to be pathogenic. This variant is interpreted as pathogenic.